The following is an entry in ClinVar:

ClinVar aggregate classification (germline): Uncertain significance. Review status: criteria provided, single submitter (1 of 4 stars). 2 submissions from 1 submitter: Uncertain significance (2). Last evaluated 2017-04-28.

Conditions:
Irido-corneo-trabecular dysgenesis (ASGD5). Also called: ANTERIOR SEGMENT DYSGENESIS 5. Identifiers: Orphanet 708, MedGen C0344559, MONDO:0011414, OMIM 604229, HP:0000659.
Glaucoma 3A. Also called: Glaucoma 3, primary congenital, A. Identifiers: Orphanet 98976, Orphanet 98977, MedGen C1856439, MONDO:0009277, OMIM 231300.

Submissions (2):

Illumina Laboratory Services, Illumina
Classification: Uncertain significance for Irido-corneo-trabecular dysgenesis. Last evaluated: 2017-04-28. Review status: criteria provided, single submitter. Criteria: ICSL Variant Classification Criteria 13 December 2019. Collection method: clinical testing. Allele origin: germline.

Illumina Laboratory Services, Illumina
Classification: Uncertain significance for Glaucoma 3A. Last evaluated: 2017-04-28. Review status: criteria provided, single submitter. Criteria: ICSL Variant Classification Criteria 13 December 2019. Collection method: clinical testing. Allele origin: germline.
Comment: This variant was observed as part of a predisposition screen in an ostensibly healthy population. A literature search was performed for the gene, cDNA change, and amino acid change (where applicable). Publications were found based on this search. However, the evidence from the literature, in combination with allele frequency data from public databases where available, was not sufficient to rule this variant in or out of causing disease. Therefore, this variant is classified as a variant of unknown significance.

Literature cited by the submitters: PubMed 20198978.

NM_000104.4(CYP1B1):c.1345G>T (p.Asp449Tyr)

Genes: CYP1B1 (cytochrome P450 family 1 subfamily B member 1; minus strand), LOC128772254 (melanoma risk locus-associated MPRA allelic enhancer 2:38298139; plus strand). Cytogenetic location: 2p22.2.
Variant type: single nucleotide variant.
Coding change: c.1345G>T on transcript NM_000104.4 (MANE Select); coding-DNA position 1345, G replaced by T.
Protein change: p.Asp449Tyr; replaces aspartic acid 449 with tyrosine.
Molecular consequence: missense variant.
Genome position (GRCh38, 1-based): chr2:38,071,009, C>A on the plus strand (G>T on the coding strand, the complement: CYP1B1 is on the minus strand). VCF-style: chr2-38071009-C-A. GRCh37 (hg19) VCF-style: chr2-38298152-C-A.
Other names: short protein forms D449Y.
Identifiers: ClinVar variation 897127 (VCV000897127.4), dbSNP rs149049138, ClinGen allele CA1619806.